The following is an entry in ClinVar:

NM_020247.5(COQ8A):c.156C>T (p.Gly52=)

Gene: COQ8A (coenzyme Q8A; plus strand). Cytogenetic location: 1q42.13.
Variant type: single nucleotide variant.
Coding change: c.156C>T on transcript NM_020247.5 (MANE Select); coding-DNA position 156, C replaced by T.
Protein change: p.Gly52=; no amino-acid change (glycine 52 retained).
Molecular consequence: synonymous variant.
Genome position (GRCh38, 1-based): chr1:226,961,541, C>T. VCF-style: chr1-226961541-C-T. GRCh37 (hg19) VCF-style: chr1-227149242-C-T.
Identifiers: ClinVar variation 1974271 (VCV001974271.5), dbSNP rs2528231938, ClinGen allele CA423524827.

ClinVar aggregate classification (germline): Uncertain significance (1 of 4 stars; one submission).

Allele frequency attached by ClinVar (database versions not stated): gnomAD exomes below 0.00001.
gnomAD v4.1: 1 of 1,612,748 alleles (0.000062%); highest among the groups gnomAD compares: Non-Finnish European, 0.000085%; no homozygotes.

Submission:

Labcorp Genetics (formerly Invitae), Labcorp
Classification: Uncertain significance. Last evaluated: 2022-05-13. Review status: criteria provided, single submitter. Criteria: Invitae Variant Classification Sherloc (09022015). Collection method: clinical testing. Allele origin: germline.
Comment: In summary, the available evidence is currently insufficient to determine the role of this variant in disease. Therefore, it has been classified as a Variant of Uncertain Significance. Algorithms developed to predict the effect of sequence changes on RNA splicing suggest that this variant may disrupt the consensus splice site. This variant has not been reported in the literature in individuals affected with COQ8A-related conditions. This variant is not present in population databases (gnomAD no frequency). This sequence change affects codon 52 of the COQ8A mRNA. It is a 'silent' change, meaning that it does not change the encoded amino acid sequence of the COQ8A protein.